The following is an entry in ClinVar:

NM_001171155.2(PET100):c.139C>T (p.Leu47Phe)

Genes: PET100 (PET100 cytochrome c oxidase chaperone; plus strand), STXBP2 (syntaxin binding protein 2; plus strand). Cytogenetic location: 19p13.2.
Variant type: single nucleotide variant.
Coding change: c.139C>T on transcript NM_001171155.2 (MANE Select); coding-DNA position 139, C replaced by T.
Protein change: p.Leu47Phe; replaces leucine 47 with phenylalanine.
Molecular consequence: missense variant. On other transcripts: non-coding transcript variant (1).
Genome position (GRCh38, 1-based): chr19:7,631,473, C>T. VCF-style: chr19-7631473-C-T. GRCh37 (hg19) VCF-style: chr19-7696359-C-T.
Other names: short protein forms L47F.
Identifiers: ClinVar variation 2073645 (VCV002073645.4), dbSNP rs2512665865, ClinGen allele CA403153986.

ClinVar aggregate classification (germline): Uncertain significance (1 of 4 stars; one submission).

Allele frequency attached by ClinVar (database versions not stated): gnomAD exomes below 0.00001.
gnomAD v4.1: 1 of 1,535,792 alleles (0.000065%); highest among the groups gnomAD compares: Non-Finnish European, 0.000087%; no homozygotes.

Submission:

Labcorp Genetics (formerly Invitae), Labcorp
Classification: Uncertain significance. Last evaluated: 2022-01-04. Review status: criteria provided, single submitter. Criteria: Invitae Variant Classification Sherloc (09022015). Collection method: clinical testing. Allele origin: germline.
Comment: This sequence change replaces leucine, which is neutral and non-polar, with phenylalanine, which is neutral and non-polar, at codon 47 of the PET100 protein (p.Leu47Phe). This variant is not present in population databases (gnomAD no frequency). This variant has not been reported in the literature in individuals affected with PET100-related conditions. Algorithms developed to predict the effect of missense changes on protein structure and function (SIFT, PolyPhen-2, Align-GVGD) all suggest that this variant is likely to be tolerated. In summary, the available evidence is currently insufficient to determine the role of this variant in disease. Therefore, it has been classified as a Variant of Uncertain Significance.